The following is an entry in ClinVar:

ClinVar aggregate classification (germline): Likely pathogenic (1 of 4 stars; one submission).

Submission:

Labcorp Genetics (formerly Invitae), Labcorp
Classification: Likely pathogenic. Last evaluated: 2022-09-30. Review status: criteria provided, single submitter. Criteria: Invitae Variant Classification Sherloc (09022015). Collection method: clinical testing. Allele origin: germline.
Comment: In summary, the currently available evidence indicates that the variant is pathogenic, but additional data are needed to prove that conclusively. Therefore, this variant has been classified as Likely Pathogenic. Algorithms developed to predict the effect of sequence changes on RNA splicing suggest that this variant may disrupt the consensus splice site. This variant has not been reported in the literature in individuals affected with CYP4V2-related conditions. This variant is not present in population databases (gnomAD no frequency). This sequence change affects a donor splice site in intron 3 of the CYP4V2 gene. It is expected to disrupt RNA splicing. Variants that disrupt the donor or acceptor splice site typically lead to a loss of protein function (PMID: 16199547), and loss-of-function variants in CYP4V2 are known to be pathogenic (PMID: 15042513, 25118264).

Literature cited by the submitters: PubMed 16199547; PubMed 15042513; PubMed 25118264.

NM_207352.4(CYP4V2):c.413+1G>C

Gene: CYP4V2 (cytochrome P450 family 4 subfamily V member 2; plus strand). Cytogenetic location: 4q35.1.
Variant type: single nucleotide variant.
Coding change: c.413+1G>C on transcript NM_207352.4 (MANE Select); the canonical splice donor site of the intron after coding-DNA position 413, G replaced by C.
Molecular consequence: splice donor variant.
Genome position (GRCh38, 1-based): chr4:186,196,089, G>C. VCF-style: chr4-186196089-G-C. GRCh37 (hg19) VCF-style: chr4-187117243-G-C.
Identifiers: ClinVar variation 2033513 (VCV002033513.4), dbSNP rs1473120800, ClinGen allele CA358947228.